The following is an entry in ClinVar:

NM_001372066.1(TFAP2A):c.1013dup (p.Asn338fs)

Gene: TFAP2A (transcription factor AP-2 alpha; minus strand). Cytogenetic location: 6p24.3.
Variant type: Duplication.
Coding change: c.1013dup on transcript NM_001372066.1 (MANE Select); coding-DNA position 1013, one base duplicated (A; older notation c.1013dupA).
Protein change: p.Asn338fs; shifts the reading frame from asparagine 338.
Molecular consequence: frameshift variant.
Genome position (GRCh38, 1-based): chr6:10,400,466, T duplicated on the plus strand (A on the coding strand, the reverse complement: TFAP2A is on the minus strand); the first of 6 consecutive T bases (chr6:10,400,466-10,400,471); duplicating any one gives the same sequence. VCF-style (leftmost placement, unchanged base first): chr6-10400465-G-GT. GRCh37 (hg19) VCF-style: chr6-10400698-G-GT.
Other names: NM_003220.2:c.1007dupA; c.989dup, p.Asn330fs (NM_001032280.3); c.995dup, p.Asn332fs (NM_001042425.3); short protein forms N330fs, N332fs, N338fs.
Identifiers: ClinVar variation 817504 (VCV000817504.1), dbSNP rs1581257777, ClinGen allele CA915942762.

ClinVar aggregate classification (germline): Likely pathogenic (1 of 4 stars; one submission).

Submission:

GeneDx
Classification: Likely pathogenic. Last evaluated: 2019-03-18. Review status: criteria provided, single submitter. Criteria: GeneDx Variant Classification (06012015). Collection method: clinical testing. Allele origin: germline. Affected: yes.
Comment: A variant that is likely pathogenic has been identified in the TFAP2A gene. The c.1007dupA variant has not been published as a pathogenic variant, nor has it been reported as a benign variant to our knowledge. The c.1007dupA variant causes a frameshift starting with codon Asparagine 336, changes this amino acid to a Lysine residue and creates a premature Stop codon at position 95 of the new reading frame, denoted p.Asn336LysfsX95. This pathogenic variant is predicted to cause loss of normal protein function through protein truncation as the last 102 amino acids of the TFAP2A protein are replaced by 94 incorrect amino acids. The c.1007dupA variant is not observed in large population cohorts (Lek et al., 2016). Therefore, this variant is likely pathogenic; however, the possibility that it is benign cannot be excluded.